The following is an entry in ClinVar:

NM_001429.4(EP300):c.1226A>G (p.His409Arg)

Gene: EP300 (EP300 lysine acetyltransferase; plus strand). Cytogenetic location: 22q13.2.
Variant type: single nucleotide variant.
Coding change: c.1226A>G on transcript NM_001429.4 (MANE Select); coding-DNA position 1226, A replaced by G.
Protein change: p.His409Arg; replaces histidine 409 with arginine.
Molecular consequence: missense variant.
Genome position (GRCh38, 1-based): chr22:41,129,947, A>G. VCF-style: chr22-41129947-A-G. GRCh37 (hg19) VCF-style: chr22-41525951-A-G.
Other names: c.1226A>G, p.His409Arg (NM_001362843.2); short protein forms H409R.
Identifiers: ClinVar variation 2499419 (VCV002499419.5), dbSNP rs1466532504, ClinGen allele CA411684987.

ClinVar aggregate classification (germline): Uncertain significance. Review status: criteria provided, multiple submitters, no conflicts (2 of 4 stars). 3 submissions from 3 submitters: Uncertain significance (3). Last evaluated 2025-04-14.

Conditions:
Inborn genetic diseases. Identifiers: MedGen C0950123, MeSH D030342.
Rubinstein-Taybi syndrome due to EP300 haploinsufficiency. Also called: EP300-Related Rubinstein-Taybi Syndrome; RUBINSTEIN-TAYBI SYNDROME 2. Identifiers: Orphanet 353284, Orphanet 783, MedGen C3150941, MONDO:0013364, OMIM 613684.

Allele frequency attached by ClinVar (database versions not stated): TOPMed below 0.00001; gnomAD 0.00001.
gnomAD v4.1: 2 of 1,613,982 alleles (0.00012%); highest among the groups gnomAD compares: Admixed American, 0.0033%; no homozygotes.

Submissions (3):

Ambry Genetics
Classification: Uncertain significance for Inborn genetic diseases. Last evaluated: 2025-04-14. Review status: criteria provided, single submitter. Criteria: Ambry Variant Classification Scheme 2023. Collection method: clinical testing. Allele origin: germline.

Labcorp Genetics (formerly Invitae), Labcorp
Classification: Uncertain significance for Rubinstein-Taybi syndrome due to EP300 haploinsufficiency. Last evaluated: 2023-06-04. Review status: criteria provided, single submitter. Criteria: Invitae Variant Classification Sherloc (09022015). Collection method: clinical testing. Allele origin: germline.
Comment: This sequence change replaces histidine, which is basic and polar, with arginine, which is basic and polar, at codon 409 of the EP300 protein (p.His409Arg). This variant is not present in population databases (gnomAD no frequency). In summary, the available evidence is currently insufficient to determine the role of this variant in disease. Therefore, it has been classified as a Variant of Uncertain Significance. Advanced modeling of protein sequence and biophysical properties (such as structural, functional, and spatial information, amino acid conservation, physicochemical variation, residue mobility, and thermodynamic stability) performed at Invitae indicates that this missense variant is not expected to disrupt EP300 protein function. ClinVar contains an entry for this variant (Variation ID: 2499419). This variant has not been reported in the literature in individuals affected with EP300-related conditions.

GeneDx
Classification: Uncertain significance. Last evaluated: 2022-10-13. Review status: criteria provided, single submitter. Criteria: GeneDx Variant Classification Process June 2021. Collection method: clinical testing. Allele origin: germline. Affected: yes.
Comment: Not observed at significant frequency in large population cohorts (gnomAD); In silico analysis supports that this missense variant has a deleterious effect on protein structure/function; Has not been previously published as pathogenic or benign to our knowledge